The following is an entry in ClinVar:

ClinVar aggregate classification (germline): Uncertain significance (1 of 4 stars; one submission).

Submission:

Labcorp Genetics (formerly Invitae), Labcorp
Classification: Uncertain significance. Last evaluated: 2025-09-02. Review status: criteria provided, single submitter. Criteria: Invitae Variant Classification Sherloc (09022015). Collection method: clinical testing. Allele origin: germline.
Comment: This sequence change replaces leucine, which is neutral and non-polar, with valine, which is neutral and non-polar, at codon 2120 of the SPEG protein (p.Leu2120Val). This variant is not present in population databases (gnomAD no frequency). This variant has not been reported in the literature in individuals affected with SPEG-related conditions. ClinVar contains an entry for this variant (Variation ID: 1350341). An algorithm developed to predict the effect of missense changes on protein structure and function (PolyPhen-2) suggests that this variant is likely to be tolerated. In summary, the available evidence is currently insufficient to determine the role of this variant in disease. Therefore, it has been classified as a Variant of Uncertain Significance.

NM_005876.5(SPEG):c.6358C>G (p.Leu2120Val)

Genes: ASIC4-AS1 (ASIC4 antisense RNA 1; minus strand), SPEG (striated muscle enriched protein kinase; plus strand). Cytogenetic location: 2q35.
Variant type: single nucleotide variant.
Coding change: c.6358C>G on transcript NM_005876.5 (MANE Select); coding-DNA position 6358, C replaced by G.
Protein change: p.Leu2120Val; replaces leucine 2120 with valine.
Molecular consequence: missense variant.
Genome position (GRCh38, 1-based): chr2:219,483,821, C>G. VCF-style: chr2-219483821-C-G. GRCh37 (hg19) VCF-style: chr2-220348543-C-G.
Other names: short protein forms L2120V.
Identifiers: ClinVar variation 1350341 (VCV001350341.8), dbSNP rs201901718, ClinGen allele CA350697573.
Genomic context (GRCh38, chr2:219,483,821, plus strand): 5'-CGGGACCCCCGGATGGCACGAGCTGCCTCCAGCGAGGCAGCGCCCCACCACCAGCCCCCA[C>G]TCGAGAACCGGGGCCTGCAAAAGAGCAGCAGCTTCTCCCAGGGTGAGGCGGAGCCCCGGG-3'
Protein context (NP_005867.3, residues 2110-2130): SEAAPHHQPP[Leu2120Val]ENRGLQKSSS